The following is an entry in ClinVar:

NM_139027.6(ADAMTS13):c.3652C>T (p.Arg1218Cys)

Gene: ADAMTS13 (ADAM metallopeptidase with thrombospondin type 1 motif 13; plus strand). Cytogenetic location: 9q34.2.
Variant type: single nucleotide variant.
Coding change: c.3652C>T on transcript NM_139027.6 (MANE Select); coding-DNA position 3652, C replaced by T.
Protein change: p.Arg1218Cys; replaces arginine 1218 with cysteine.
Molecular consequence: missense variant. On other transcripts: non-coding transcript variant (1).
Genome position (GRCh38, 1-based): chr9:133,456,647, C>T. VCF-style: chr9-133456647-C-T. GRCh37 (hg19) VCF-style: chr9-136321769-C-T.
Other names: p.Arg1274Cys; c.3820C>T, p.Arg1274Cys (NM_139025.5); c.3559C>T, p.Arg1187Cys (NM_139026.6); short protein forms R1218C, R1187C, R1274C.
Identifiers: ClinVar variation 2175504 (VCV002175504.3), dbSNP rs371964138, ClinGen allele CA200945476.

ClinVar aggregate classification (germline): Uncertain significance. Review status: criteria provided, multiple submitters, no conflicts (2 of 4 stars). 2 submissions from 2 submitters: Uncertain significance (2). Last evaluated 2025-09-04.

Allele frequency attached by ClinVar (database versions not stated): gnomAD 0.00002; ExAC 0.00006; TOPMed 0.00008; ESP Exome Variant Server 0.00015; gnomAD exomes 0.00012.

Submissions (2):

Mayo Clinic Laboratories, Mayo Clinic
Classification: Uncertain significance. Last evaluated: 2025-09-04. Review status: criteria provided, single submitter. Criteria: ACMG Guidelines, 2015. Collection method: clinical testing. Allele origin: germline. Observed: 2 variant alleles.
Comment: BP4

Labcorp Genetics (formerly Invitae), Labcorp
Classification: Uncertain significance. Last evaluated: 2022-10-13. Review status: criteria provided, single submitter. Criteria: Invitae Variant Classification Sherloc (09022015). Collection method: clinical testing. Allele origin: germline.
Comment: This sequence change replaces arginine, which is basic and polar, with cysteine, which is neutral and slightly polar, at codon 1274 of the ADAMTS13 protein (p.Arg1274Cys). This variant is present in population databases (rs371964138, gnomAD 0.008%). This variant has not been reported in the literature in individuals affected with ADAMTS13-related conditions. Algorithms developed to predict the effect of missense changes on protein structure and function (SIFT, PolyPhen-2, Align-GVGD) all suggest that this variant is likely to be disruptive. In summary, the available evidence is currently insufficient to determine the role of this variant in disease. Therefore, it has been classified as a Variant of Uncertain Significance.

Literature cited by the submitters: PubMed 21676167 (cited by Mayo Clinic Laboratories, Mayo Clinic).